The following is an entry in ClinVar:

ClinVar aggregate classification (germline): Uncertain significance (1 of 4 stars; one submission).

Conditions:
Oculodentodigital dysplasia, autosomal recessive. Also called: OCULODENTOOSSEOUS DYSPLASIA, AUTOSOMAL RECESSIVE; ODDD, AUTOSOMAL RECESSIVE; ODOD, AUTOSOMAL RECESSIVE. Identifiers: Orphanet 2710, MedGen C2749477, MONDO:0009768, OMIM 257850.

gnomAD v4.1: 7 of 1,614,102 alleles (0.00043%); highest among the groups gnomAD compares: Non-Finnish European, 0.00059%; no homozygotes.

Submission:

Labcorp Genetics (formerly Invitae), Labcorp
Classification: Uncertain significance for Oculodentodigital dysplasia, autosomal recessive. Last evaluated: 2024-11-05. Review status: criteria provided, single submitter. Criteria: Invitae Variant Classification Sherloc (09022015). Collection method: clinical testing. Allele origin: germline.
Comment: This sequence change replaces asparagine, which is neutral and polar, with serine, which is neutral and polar, at codon 295 of the GJA1 protein (p.Asn295Ser). This variant is present in population databases (rs756401045, gnomAD 0.0009%). This variant has not been reported in the literature in individuals affected with GJA1-related conditions. Invitae Evidence Modeling of protein sequence and biophysical properties (such as structural, functional, and spatial information, amino acid conservation, physicochemical variation, residue mobility, and thermodynamic stability) indicates that this missense variant is not expected to disrupt GJA1 protein function with a negative predictive value of 95%. In summary, the available evidence is currently insufficient to determine the role of this variant in disease. Therefore, it has been classified as a Variant of Uncertain Significance.

NM_000165.5(GJA1):c.884A>G (p.Asn295Ser)

Gene: GJA1 (gap junction protein alpha 1; plus strand). Cytogenetic location: 6q22.31.
Variant type: single nucleotide variant.
Coding change: c.884A>G on transcript NM_000165.5 (MANE Select); coding-DNA position 884, A replaced by G.
Protein change: p.Asn295Ser; replaces asparagine 295 with serine.
Molecular consequence: missense variant.
Genome position (GRCh38, 1-based): chr6:121,447,731, A>G. VCF-style: chr6-121447731-A-G. GRCh37 (hg19) VCF-style: chr6-121768877-A-G.
Other names: short protein forms N295S.
Identifiers: ClinVar variation 3623627 (VCV003623627.2).